The following is an entry in ClinVar:

ClinVar aggregate classification (germline): Benign/Likely benign. Review status: criteria provided, multiple submitters, no conflicts (2 of 4 stars). 5 submissions from 5 submitters: Benign (2); Likely benign (2). 1 of the submissions does not count toward it. Last evaluated 2025-12-26.

Conditions:
Tuberous sclerosis syndrome (TSC). Also called: Tuberous Sclerosis Complex; Tuberous sclerosis. Identifiers: Orphanet 805, MedGen C0041341, MONDO:0001734.
Tuberous sclerosis 2 (TSC2). Identifiers: Orphanet 805, MedGen C1860707, MONDO:0013199, OMIM 613254.
Hereditary cancer-predisposing syndrome. Also called: Neoplastic Syndromes, Hereditary; Tumor predisposition; Hereditary Cancer Syndrome; Hereditary neoplastic syndrome. Identifiers: Orphanet 140162, MedGen C0027672, MeSH D009386, MONDO:0015356.

Allele frequency attached by ClinVar (database versions not stated): gnomAD exomes below 0.00001.
gnomAD v4.1: 1 of 1,613,700 alleles (0.000062%); highest among the groups gnomAD compares: Non-Finnish European, 0.000085%; no homozygotes.

Submissions (5):

Labcorp Genetics (formerly Invitae), Labcorp
Classification: Likely benign for Tuberous sclerosis 2. Last evaluated: 2025-12-26. Review status: criteria provided, single submitter. Criteria: Invitae Variant Classification Sherloc (09022015). Collection method: clinical testing. Allele origin: germline.

Myriad Genetics, Inc.
Classification: Benign for Tuberous sclerosis 2. Last evaluated: 2025-05-15. Review status: criteria provided, single submitter. Criteria: Myriad Autosomal Dominant, Autosomal Recessive and X-Linked Classification Criteria (2023). Collection method: clinical testing. Allele origin: unknown.
Comment: This variant is considered benign. This variant is a silent/synonymous amino acid change and it is not expected to impact splicing.

Genome-Nilou Lab
Classification: Benign for Tuberous sclerosis 2. Last evaluated: 2021-11-07. Review status: criteria provided, single submitter. Criteria: ACMG Guidelines, 2015. Collection method: clinical testing. Allele origin: germline. Affected: no.

Ambry Genetics
Classification: Likely benign for Hereditary cancer-predisposing syndrome. Last evaluated: 2019-07-09. Review status: criteria provided, single submitter. Criteria: Ambry Variant Classification Scheme 2023. Collection method: clinical testing. Allele origin: germline.

Tuberous sclerosis database (TSC2)
No classification provided. Condition: TSC. Review status: no classification provided. Criteria: Tuberous Sclerosis Database Assertion Criteria 2015. Collection method: curation. Allele origin: germline. Affected: yes. Not counted in ClinVar's aggregate classification.

NM_000548.5(TSC2):c.1611C>T (p.Arg537=)

Gene: TSC2 (TSC complex subunit 2; plus strand). Cytogenetic location: 16p13.3.
Variant type: single nucleotide variant.
Coding change: c.1611C>T on transcript NM_000548.5 (MANE Select); coding-DNA position 1611, C replaced by T.
Protein change: p.Arg537=; no amino-acid change (arginine 537 retained).
Molecular consequence: synonymous variant.
Genome position (GRCh38, 1-based): chr16:2,065,530, C>T. VCF-style: chr16-2065530-C-T. GRCh37 (hg19) VCF-style: chr16-2115531-C-T.
Other names: c.1611C>T, p.Arg537= (NM_001077183.3, NM_001114382.3, NM_001363528.2 and 3 more transcripts); c.1500C>T, p.Arg500= (NM_001318827.2); c.1464C>T, p.Arg488= (NM_001318829.2); c.1011C>T, p.Arg337= (NM_001318831.2); c.1644C>T, p.Arg548= (NM_001318832.2).
Identifiers: ClinVar variation 49166 (VCV000049166.18), dbSNP rs45469702, ClinGen allele CA015321.